The following is an entry in ClinVar:

ClinVar aggregate classification (germline): Likely pathogenic (1 of 4 stars; one submission).

Submission:

GeneDx
Classification: Likely pathogenic. Last evaluated: 2026-01-31. Review status: criteria provided, single submitter. Criteria: GeneDx Variant Classification Process June 2021. Collection method: clinical testing. Allele origin: germline.
Comment: Not observed at significant frequency in large population cohorts (gnomAD); In silico analysis supports that this missense variant has a deleterious effect on protein structure/function; Has not been previously published as pathogenic or benign to our knowledge

NM_004187.5(KDM5C):c.2113C>T (p.Arg705Cys)

Gene: KDM5C (lysine demethylase 5C; minus strand). Cytogenetic location: Xp11.22.
Variant type: single nucleotide variant.
Coding change: c.2113C>T on transcript NM_004187.5 (MANE Select); coding-DNA position 2113, C replaced by T.
Protein change: p.Arg705Cys; replaces arginine 705 with cysteine.
Molecular consequence: missense variant. On other transcripts: non-coding transcript variant (3).
Genome position (GRCh38, 1-based): chrX:53,199,107, G>A on the plus strand (C>T on the coding strand, the complement: KDM5C is on the minus strand). VCF-style: chrX-53199107-G-A. GRCh37 (hg19) VCF-style: chrX-53228289-G-A.
Other names: c.1912C>T, p.Arg638Cys (NM_001146702.2); c.2110C>T, p.Arg704Cys (NM_001282622.3, NM_001353979.2, NM_001353982.2); c.2113C>T, p.Arg705Cys (NM_001353978.3, NM_001353981.2, NM_001353984.2); short protein forms R638C, R704C, R705C.
Identifiers: ClinVar variation 3368204 (VCV003368204.2).